The following is an entry in ClinVar:

ClinVar aggregate classification (germline): Benign/Likely benign. Review status: criteria provided, multiple submitters, no conflicts (2 of 4 stars). 5 submissions from 5 submitters: Benign (1); Likely benign (4). Last evaluated 2025-02-09.

Conditions:
Classic or attenuated familial adenomatous polyposis. Identifiers: MedGen CN372698, MONDO:0021057.
Hereditary cancer-predisposing syndrome. Also called: Neoplastic Syndromes, Hereditary; Tumor predisposition; Hereditary Cancer Syndrome; Hereditary neoplastic syndrome. Identifiers: Orphanet 140162, MedGen C0027672, MeSH D009386, MONDO:0015356.
Familial adenomatous polyposis 1 (FAP1). Also called: POLYPOSIS, ADENOMATOUS INTESTINAL; FAMILIAL ADENOMATOUS POLYPOSIS 1, ATTENUATED. Identifiers: MedGen C2713442, MONDO:0021056, OMIM 175100. Disease mechanism: loss of function.

Allele frequency attached by ClinVar (database versions not stated): gnomAD exomes below 0.00001.

Submissions (5):

Labcorp Genetics (formerly Invitae), Labcorp
Classification: Likely benign for Familial adenomatous polyposis 1. Last evaluated: 2025-02-09. Review status: criteria provided, single submitter. Criteria: Invitae Variant Classification Sherloc (09022015). Collection method: clinical testing. Allele origin: germline.

Myriad Genetics, Inc.
Classification: Benign for Familial adenomatous polyposis 1. Last evaluated: 2024-03-18. Review status: criteria provided, single submitter. Criteria: Myriad Autosomal Dominant, Autosomal Recessive and X-Linked Classification Criteria (2023). Collection method: clinical testing. Allele origin: unknown.
Comment: This variant is considered benign. This variant is a silent/synonymous amino acid change and it is not expected to impact splicing.

All of Us Research Program, National Institutes of Health
Classification: Likely benign for Classic or attenuated familial adenomatous polyposis. Last evaluated: 2023-08-15. Review status: criteria provided, single submitter. Criteria: ACMG Guidelines, 2015. Collection method: clinical testing. Allele origin: germline. Inheritance: Autosomal dominant inheritance. Observed: 1 variant allele, 1 heterozygote.
Comment: This study involves interpretation of variants in research participants for the purpose of population health screening. Participant phenotype was not available at the time of variant classification. Additional details can be found in publication PMID: 35346344, PMCID: PMC8962531

Ambry Genetics
Classification: Likely benign for Hereditary cancer-predisposing syndrome. Last evaluated: 2022-10-04. Review status: criteria provided, single submitter. Criteria: Ambry Variant Classification Scheme 2023. Collection method: clinical testing. Allele origin: germline.

Color Diagnostics, LLC DBA Color Health
Classification: Likely benign for Hereditary cancer-predisposing syndrome. Last evaluated: 2022-09-19. Review status: criteria provided, single submitter. Criteria: ACMG Guidelines, 2015. Collection method: clinical testing. Allele origin: germline.

NM_000038.6(APC):c.3063A>G (p.Leu1021=)

Gene: APC (APC regulator of Wnt signaling pathway; plus strand). Cytogenetic location: 5q22.2.
Variant type: single nucleotide variant.
Coding change: c.3063A>G on transcript NM_000038.6 (MANE Select); coding-DNA position 3063, A replaced by G.
Protein change: p.Leu1021=; no amino-acid change (leucine 1021 retained).
Molecular consequence: synonymous variant. On other transcripts: non-coding transcript variant (2).
Genome position (GRCh38, 1-based): chr5:112,838,657, A>G. VCF-style: chr5-112838657-A-G. GRCh37 (hg19) VCF-style: chr5-112174354-A-G.
Other names: c.2886A>G, p.Leu962= (NM_001354901.2, NM_001407453.1); c.2790A>G, p.Leu930= (NM_001354902.2); c.2760A>G, p.Leu920= (NM_001354903.2, NM_001407458.1, NM_001407459.1 and 1 more transcripts); c.2685A>G, p.Leu895= (NM_001354904.2); c.2583A>G, p.Leu861= (NM_001354905.2); c.3117A>G, p.Leu1039= (NM_001407447.1, NM_001407448.1, NM_001407449.1 and 1 more transcripts); c.3063A>G, p.Leu1021= (NM_001407450.1, NM_001127510.3, NM_001354895.2); c.3042A>G, p.Leu1014= (NM_001407451.1); and 11 more.
Identifiers: ClinVar variation 1799393 (VCV001799393.12), dbSNP rs2149883468, ClinGen allele CA445963152.